The following is an entry in ClinVar:

ClinVar aggregate classification (germline): Pathogenic (1 of 4 stars; one submission).

Conditions:
Hereditary breast ovarian cancer syndrome. Also called: Hereditary breast and ovarian cancer syndrome (HBOC); Hereditary breast and ovarian cancer syndrome; Breast and ovarian cancer; Hereditary breast and/or ovarian cancer syndrome; Hereditary breast and ovarian cancer; BRCA1- and BRCA2-Associated Hereditary Breast and Ovarian Cancer. Identifiers: Orphanet 145, MedGen C0677776, MeSH D061325, MONDO:0003582. Disease mechanism: loss of function.

Submission:

Labcorp Genetics (formerly Invitae), Labcorp
Classification: Pathogenic for Hereditary breast and ovarian cancer syndrome. Last evaluated: 2019-12-23. Review status: criteria provided, single submitter. Criteria: Invitae Variant Classification Sherloc (09022015). Collection method: clinical testing. Allele origin: germline.
Comment: This variant is a partial deletion of exon 3 of the BRCA2 gene, including the exon 3 / intron 3 donor splice site (c.277_317-726delinsCCAT). This is expected to create a premature translational stop signal and result in an absent or disrupted protein product. This variant has not been reported in the literature in individuals with BRCA2-related disease. Loss-of-function variants in BRCA2 are known to be pathogenic (PMID: 20104584). For these reasons, this variant has been classified as Pathogenic.

NC_000013.11:g.(?_32319286)_(32324350_?)del

Gene: BRCA2 (BRCA2 DNA repair associated; plus strand). Cytogenetic location: 13q13.1.
Variant type: Deletion.
Identifiers: ClinVar variation 462159 (VCV000462159.2).